The following is an entry in ClinVar:

ClinVar aggregate classification (germline): Uncertain significance (1 of 4 stars; one submission).

Conditions:
Early Myoclonic Encephalopathy. Identifiers: MedGen C0270855.

Submission:

Labcorp Genetics (formerly Invitae), Labcorp
Classification: Uncertain significance for Early Myoclonic Encephalopathy. Last evaluated: 2024-07-09. Review status: criteria provided, single submitter. Criteria: Invitae Variant Classification Sherloc (09022015). Collection method: clinical testing. Allele origin: germline.
Comment: This sequence change creates a premature translational stop signal (p.Pro63Argfs*8) in the KCND2 gene. It is expected to result in an absent or disrupted protein product. However, the current clinical and genetic evidence is not sufficient to establish whether loss-of-function variants in KCND2 cause disease. This variant is not present in population databases (gnomAD no frequency). This variant has not been reported in the literature in individuals affected with KCND2-related conditions. Algorithms developed to predict the effect of sequence changes on RNA splicing suggest that this variant may create or strengthen a splice site. In summary, the available evidence is currently insufficient to determine the role of this variant in disease. Therefore, it has been classified as a Variant of Uncertain Significance.

NM_012281.3(KCND2):c.187_188del (p.Pro63fs)

Gene: KCND2 (potassium voltage-gated channel subfamily D member 2; plus strand). Cytogenetic location: 7q31.31.
Variant type: Deletion.
Coding change: c.187_188del on transcript NM_012281.3 (MANE Select); coding-DNA positions 187 to 188, 2 bases deleted (CC; older notation c.187_188delCC).
Protein change: p.Pro63fs; shifts the reading frame from proline 63.
Molecular consequence: frameshift variant.
Genome position (GRCh38, 1-based): chr7:120,274,819-120,274,820, CC deleted; deleting any 2 consecutive bases within chr7:120,274,818-120,274,820 gives the same sequence; the c. name uses the placement nearest the transcript's 3' end. VCF-style (leftmost placement, unchanged base first): chr7-120274817-ACC-A. GRCh37 (hg19) VCF-style: chr7-119914871-ACC-A.
Other names: short protein forms P63fs.
Identifiers: ClinVar variation 3658398 (VCV003658398.2).